The following is an entry in ClinVar:

NM_015214.3(DDHD2):c.508G>A (p.Val170Met)

Gene: DDHD2 (DDHD domain containing 2; plus strand). Cytogenetic location: 8p11.23.
Variant type: single nucleotide variant.
Coding change: c.508G>A on transcript NM_015214.3 (MANE Select); coding-DNA position 508, G replaced by A.
Protein change: p.Val170Met; replaces valine 170 with methionine.
Molecular consequence: missense variant. On other transcripts: non-coding transcript variant (2).
Genome position (GRCh38, 1-based): chr8:38,238,095, G>A. VCF-style: chr8-38238095-G-A. GRCh37 (hg19) VCF-style: chr8-38095613-G-A.
Other names: c.508G>A, p.Val170Met (NM_001164232.2, NM_001164234.2, NM_001362911.2 and 3 more transcripts); c.508G>A (NM_015214.2); short protein forms V170M.
Identifiers: ClinVar variation 2058487 (VCV002058487.3), dbSNP rs754889897, ClinGen allele CA4716003.

ClinVar aggregate classification (germline): Uncertain significance. Review status: criteria provided, multiple submitters, no conflicts (2 of 4 stars). 2 submissions from 2 submitters: Uncertain significance (2). Last evaluated 2024-12-17.

Conditions:
Inborn genetic diseases. Identifiers: MedGen C0950123, MeSH D030342.
Hereditary spastic paraplegia 54. Also called: Spastic paraplegia 54, autosomal recessive. Identifiers: Orphanet 320380, MedGen C3539495, MONDO:0014018, OMIM 615033.

Allele frequency attached by ClinVar (database versions not stated): ExAC 0.00001; TOPMed 0.00002; gnomAD 0.00003.
gnomAD v4.1: 20 of 1,609,888 alleles (0.0012%); highest among the groups gnomAD compares: South Asian, 0.0022%; no homozygotes.

Submissions (2):

Ambry Genetics
Classification: Uncertain significance for Inborn genetic diseases. Last evaluated: 2024-12-17. Review status: criteria provided, single submitter. Criteria: Ambry Variant Classification Scheme 2023. Collection method: clinical testing. Allele origin: germline.

Labcorp Genetics (formerly Invitae), Labcorp
Classification: Uncertain significance for Hereditary spastic paraplegia 54. Last evaluated: 2022-09-01. Review status: criteria provided, single submitter. Criteria: Invitae Variant Classification Sherloc (09022015). Collection method: clinical testing. Allele origin: germline.
Comment: This sequence change replaces valine, which is neutral and non-polar, with methionine, which is neutral and non-polar, at codon 170 of the DDHD2 protein (p.Val170Met). In summary, the available evidence is currently insufficient to determine the role of this variant in disease. Therefore, it has been classified as a Variant of Uncertain Significance. Algorithms developed to predict the effect of missense changes on protein structure and function (SIFT, PolyPhen-2, Align-GVGD) all suggest that this variant is likely to be tolerated. This variant has not been reported in the literature in individuals affected with DDHD2-related conditions. This variant is present in population databases (rs754889897, gnomAD 0.002%).